The following is an entry in ClinVar:

NM_000875.5(IGF1R):c.3457+1dup

Gene: IGF1R (insulin like growth factor 1 receptor; plus strand). Cytogenetic location: 15q26.3.
Variant type: Duplication.
Coding change: c.3457+1dup on transcript NM_000875.5 (MANE Select); the canonical splice donor site of the intron after coding-DNA position 3457, one base duplicated (G; older notation c.3457+1dupG).
Molecular consequence: splice donor variant.
Genome position (GRCh38, 1-based): chr15:98,939,361, G duplicated; the last of 2 consecutive G bases (chr15:98,939,360-98,939,361); duplicating either gives the same sequence. VCF-style (leftmost placement, unchanged base first): chr15-98939359-A-AG. GRCh37 (hg19) VCF-style: chr15-99482588-A-AG.
Other names: c.3454+1dup (NM_001291858.2).
Identifiers: ClinVar variation 1705371 (VCV001705371.1), dbSNP rs2506069523, ClinGen allele CA2580090378.

ClinVar aggregate classification (germline): Likely pathogenic (1 of 4 stars; one submission).

Conditions:
Growth delay due to insulin-like growth factor I resistance. Also called: Insulin-Like Growth Factor I Resistance; Somatomedin end-organ insensitivity to; Somatomedin-c resistance to; IGF-1 resistance; IGF-I RESISTANCE. Identifiers: Orphanet 73273, MedGen C1849157, MONDO:0010038, OMIM 270450.

Submission:

3billion
Classification: Likely pathogenic for Growth delay due to insulin-like growth factor I resistance. Last evaluated: 2022-09-01. Review status: criteria provided, single submitter. Criteria: ACMG Guidelines, 2015. Collection method: clinical testing. Allele origin: germline. Affected: yes. Observed: 1 heterozygote.
Comment: The variant is not observed in the gnomAD v2.1.1 dataset. Frameshift variant is predicted to result in a loss or disruption of normal protein function through nonsense-mediated decay (NMD) or protein truncation. Therefore, this variant is classified as Likely pathogenic according to the recommendation of ACMG/AMP guideline.